The following is an entry in ClinVar:

ClinVar aggregate classification (germline): Uncertain significance (1 of 4 stars; one submission).

Allele frequency attached by ClinVar (database versions not stated): gnomAD 0.00001; ExAC 0.00002; gnomAD exomes 0.00003 and 0.00006.
gnomAD v4.1: 86 of 1,513,230 alleles (0.0057%); highest among the groups gnomAD compares: Non-Finnish European, 0.0075%; no homozygotes.

Submission:

Labcorp Genetics (formerly Invitae), Labcorp
Classification: Uncertain significance. Last evaluated: 2023-08-04. Review status: criteria provided, single submitter. Criteria: Invitae Variant Classification Sherloc (09022015). Collection method: clinical testing. Allele origin: germline.
Comment: In summary, the available evidence is currently insufficient to determine the role of this variant in disease. Therefore, it has been classified as a Variant of Uncertain Significance. An algorithm developed to predict the effect of missense changes on protein structure and function (PolyPhen-2) suggests that this variant is likely to be tolerated. ClinVar contains an entry for this variant (Variation ID: 1436273). This variant has not been reported in the literature in individuals affected with TRIOBP-related conditions. The frequency data for this variant in the population databases is considered unreliable, as metrics indicate poor data quality at this position in the gnomAD database. This sequence change replaces asparagine, which is neutral and polar, with aspartic acid, which is acidic and polar, at codon 623 of the TRIOBP protein (p.Asn623Asp).

NM_001039141.3(TRIOBP):c.1867A>G (p.Asn623Asp)

Gene: TRIOBP (TRIO and F-actin binding protein; plus strand). Cytogenetic location: 22q13.1.
Variant type: single nucleotide variant.
Coding change: c.1867A>G on transcript NM_001039141.3 (MANE Select); coding-DNA position 1867, A replaced by G.
Protein change: p.Asn623Asp; replaces asparagine 623 with aspartic acid.
Molecular consequence: missense variant.
Genome position (GRCh38, 1-based): chr22:37,724,423, A>G. VCF-style: chr22-37724423-A-G. GRCh37 (hg19) VCF-style: chr22-38120430-A-G.
Other names: short protein forms N623D.
Identifiers: ClinVar variation 1436273 (VCV001436273.8), dbSNP rs776644627, ClinGen allele CA10223711.